The following is an entry in ClinVar:

ClinVar aggregate classification (germline): Likely benign. Review status: criteria provided, multiple submitters, no conflicts (2 of 4 stars). 2 submissions from 2 submitters: Likely benign (2). Last evaluated 2026-02-05.

Conditions:
Hereditary spastic paraplegia 30. Identifiers: Orphanet 101010, MedGen C5235139, MONDO:0012476.
Neuropathy, hereditary sensory, type 2C. Also called: Hereditary sensory and autonomic neuropathy type IIC; KIF1A-Related HSAN2 (HSAN2C). Identifiers: Orphanet 970, MedGen C3280168, MONDO:0013634, OMIM 614213.
Intellectual disability, autosomal dominant 9 (NESCAVS). Also called: NESCAV SYNDROME; KIF1A-Related Neurodevelopmental Disorder. Identifiers: Orphanet 662367, MedGen C5393830, MONDO:0013656, OMIM 614255.
KIF1A-related disorder. Also called: KIF1A-related disorders; KIF1A-related condition.

Allele frequency attached by ClinVar (database versions not stated): gnomAD exomes below 0.00001.
gnomAD v4.1: 1 of 1,526,918 alleles (0.000065%); highest among the groups gnomAD compares: African/African-American, 0.0014%; no homozygotes.

Submissions (2):

PreventionGenetics, part of Exact Sciences
Classification: Likely benign for KIF1A-related condition. Last evaluated: 2026-02-05. Review status: criteria provided, single submitter. Criteria: ACMG Guidelines, 2015. Collection method: clinical testing. Allele origin: germline.
Comment: This variant is classified as likely benign based on ACMG/AMP sequence variant interpretation guidelines (Richards et al. 2015 PMID: 25741868, with internal and published modifications).

Labcorp Genetics (formerly Invitae), Labcorp
Classification: Likely benign for Hereditary spastic paraplegia 30; Neuropathy, hereditary sensory, type 2C; Intellectual disability, autosomal dominant 9. Last evaluated: 2024-06-11. Review status: criteria provided, single submitter. Criteria: Invitae Variant Classification Sherloc (09022015). Collection method: clinical testing. Allele origin: germline.

NM_001244008.2(KIF1A):c.2001C>T (p.Tyr667=)

Gene: KIF1A (kinesin family member 1A; minus strand). Cytogenetic location: 2q37.3.
Variant type: single nucleotide variant.
Coding change: c.2001C>T on transcript NM_001244008.2 (MANE Select); coding-DNA position 2001, C replaced by T.
Protein change: p.Tyr667=; no amino-acid change (tyrosine 667 retained).
Molecular consequence: synonymous variant.
Genome position (GRCh38, 1-based): chr2:240,763,040, G>A on the plus strand (C>T on the coding strand, the complement: KIF1A is on the minus strand). VCF-style: chr2-240763040-G-A. GRCh37 (hg19) VCF-style: chr2-241702457-G-A.
Other names: c.2001C>T, p.Tyr667= (NM_001320705.2, NM_001330289.2, NM_001379638.1); c.2076C>T, p.Tyr692= (NM_001330290.2, NM_001379631.1, NM_001379634.1 and 2 more transcripts); c.1974C>T, p.Tyr658= (NM_001379632.1, NM_001379633.1, NM_001379636.1 and 10 more transcripts); c.2049C>T, p.Tyr683= (NM_001379637.1, NM_001379648.1); c.2001C>T (NM_001244008.1).
Identifiers: ClinVar variation 1584895 (VCV001584895.9), dbSNP rs1432995323, ClinGen allele CA432234550.
Genomic context (GRCh38, chr2:240,763,040, plus strand): 5'-GTGGGGGCTGGGCAGGGAGGGCGGGGCCACGTCACTCACCAGCCGCTGCTGCTCCAGCAG[G>A]TAGGTGGCCTCCTCCCGCTCGCGGCGGTACTGGTCCTCCAGTTCCTGGAGCCTGCAAGGG-3'
Protein context (NP_001230937.1, residues 657-677): QYRREREEAT[Tyr667=]LLEQQRLDYE